The following is an entry in ClinVar:

NM_001987.5(ETV6):c.143T>C (p.Ile48Thr)

Gene: ETV6 (ETS variant transcription factor 6; plus strand). Cytogenetic location: 12p13.2.
Variant type: single nucleotide variant.
Coding change: c.143T>C on transcript NM_001987.5 (MANE Select); coding-DNA position 143, T replaced by C.
Protein change: p.Ile48Thr; replaces isoleucine 48 with threonine.
Molecular consequence: missense variant. On other transcripts: intron variant (1).
Genome position (GRCh38, 1-based): chr12:11,752,559, T>C. VCF-style: chr12-11752559-T-C. GRCh37 (hg19) VCF-style: chr12-11905493-T-C.
Other names: c.140T>C, p.Ile47Thr (NM_001413913.1); c.116T>C, p.Ile39Thr (NM_001413914.1); c.143T>C, p.Ile48Thr (NM_001413916.1, NM_001413917.1, NM_001413918.1); c.-101-86581T>C (NM_001413915.1); short protein forms I39T, I47T, I48T.
Identifiers: ClinVar variation 5036193 (VCV005036193.1).

ClinVar aggregate classification (germline): Uncertain significance (1 of 4 stars; one submission).

Conditions:
Inborn genetic diseases. Identifiers: MedGen C0950123, MeSH D030342.

Submission:

Ambry Genetics
Classification: Uncertain significance for Inborn genetic diseases. Last evaluated: 2026-07-07. Review status: criteria provided, single submitter. Criteria: Ambry Variant Classification Scheme 2023. Collection method: clinical testing. Allele origin: germline.
Comment: The p.I48T variant (also known as c.143T>C), located in coding exon 2 of the ETV6 gene, results from a T to C substitution at nucleotide position 143. The isoleucine at codon 48 is replaced by threonine, an amino acid with similar properties. This amino acid position is conserved. In addition, this alteration is predicted to be tolerated by in silico analysis. Based on the available evidence, the clinical significance of this variant remains unclear.